The following is an entry in ClinVar:

ClinVar aggregate classification (germline): Uncertain significance (1 of 4 stars; one submission).

Conditions:
Rhabdoid tumor predisposition syndrome 2 (RTPS2). Identifiers: Orphanet 231108, Orphanet 69077, MedGen C2750074, MONDO:0013224, OMIM 613325.

Submission:

Labcorp Genetics (formerly Invitae), Labcorp
Classification: Uncertain significance for Rhabdoid tumor predisposition syndrome 2. Last evaluated: 2024-08-20. Review status: criteria provided, single submitter. Criteria: Invitae Variant Classification Sherloc (09022015). Collection method: clinical testing. Allele origin: germline.
Comment: This sequence change replaces alanine, which is neutral and non-polar, with valine, which is neutral and non-polar, at codon 1249 of the SMARCA4 protein (p.Ala1249Val). This variant is not present in population databases (gnomAD no frequency). This variant has not been reported in the literature in individuals affected with SMARCA4-related conditions. Invitae Evidence Modeling of protein sequence and biophysical properties (such as structural, functional, and spatial information, amino acid conservation, physicochemical variation, residue mobility, and thermodynamic stability) indicates that this missense variant is expected to disrupt SMARCA4 protein function with a positive predictive value of 95%. In summary, the available evidence is currently insufficient to determine the role of this variant in disease. Therefore, it has been classified as a Variant of Uncertain Significance.

NM_003072.5(SMARCA4):c.3746C>T (p.Ala1249Val)

Gene: SMARCA4 (SWI/SNF related BAF chromatin remodeling complex subunit ATPase 4; plus strand). Cytogenetic location: 19p13.2.
Variant type: single nucleotide variant.
Coding change: c.3746C>T on transcript NM_003072.5 (MANE Select); coding-DNA position 3746, C replaced by T.
Protein change: p.Ala1249Val; replaces alanine 1249 with valine.
Molecular consequence: missense variant. On other transcripts: non-coding transcript variant (1).
Genome position (GRCh38, 1-based): chr19:11,033,489, C>T. VCF-style: chr19-11033489-C-T. GRCh37 (hg19) VCF-style: chr19-11144165-C-T.
Other names: c.3746C>T, p.Ala1249Val (NM_001128844.3, NM_001128845.2, NM_001128846.2 and 6 more transcripts); short protein forms A1249V.
Identifiers: ClinVar variation 3636881 (VCV003636881.2).